The following is an entry in ClinVar:

NM_015693.4(INTU):c.1283T>C (p.Val428Ala)

Genes: INTU (inturned planar cell polarity protein; plus strand), LOC126807151 (CDK7 strongly-dependent group 2 enhancer GRCh37_chr4:128607842-128609041; plus strand). Cytogenetic location: 4q28.1.
Variant type: single nucleotide variant.
Coding change: c.1283T>C on transcript NM_015693.4 (MANE Select); coding-DNA position 1283, T replaced by C.
Protein change: p.Val428Ala; replaces valine 428 with alanine.
Molecular consequence: missense variant.
Genome position (GRCh38, 1-based): chr4:127,687,701, T>C. VCF-style: chr4-127687701-T-C. GRCh37 (hg19) VCF-style: chr4-128608856-T-C.
Other names: short protein forms V428A.
Identifiers: ClinVar variation 2898438 (VCV002898438.3), dbSNP rs758440076, ClinGen allele CA3075028.

ClinVar aggregate classification (germline): Uncertain significance (1 of 4 stars; one submission).

Allele frequency attached by ClinVar (database versions not stated): ExAC 0.00003; TOPMed 0.00003; gnomAD 0.00001.
gnomAD v4.1: 31 of 1,612,044 alleles (0.0019%); highest among the groups gnomAD compares: Middle Eastern, 0.21%; no homozygotes.

Submission:

Labcorp Genetics (formerly Invitae), Labcorp
Classification: Uncertain significance. Last evaluated: 2025-07-16. Review status: criteria provided, single submitter. Criteria: Invitae Variant Classification Sherloc (09022015). Collection method: clinical testing. Allele origin: germline.
Comment: This sequence change replaces valine, which is neutral and non-polar, with alanine, which is neutral and non-polar, at codon 428 of the INTU protein (p.Val428Ala). This variant is present in population databases (rs758440076, gnomAD 0.006%). This variant has not been reported in the literature in individuals affected with INTU-related conditions. ClinVar contains an entry for this variant (Variation ID: 2898438). Invitae Evidence Modeling of protein sequence and biophysical properties (such as structural, functional, and spatial information, amino acid conservation, physicochemical variation, residue mobility, and thermodynamic stability) indicates that this missense variant is not expected to disrupt INTU protein function with a negative predictive value of 80%. In summary, the available evidence is currently insufficient to determine the role of this variant in disease. Therefore, it has been classified as a Variant of Uncertain Significance.